The following is an entry in ClinVar:

ClinVar aggregate classification (germline): Uncertain significance. Review status: criteria provided, multiple submitters, no conflicts (2 of 4 stars). 3 submissions from 3 submitters: Uncertain significance (3). Last evaluated 2026-01-19.

Conditions:
Cardiovascular phenotype. Identifiers: MedGen CN230736.
Arrhythmogenic right ventricular dysplasia 12. Also called: ARRHYTHMOGENIC RIGHT VENTRICULAR DYSPLASIA, FAMILIAL, 12. Identifiers: MedGen C1969081, MONDO:0012684, OMIM 611528.
Naxos disease (NXD). Also called: KERATOSIS PALMOPLANTARIS WITH ARRHYTHMOGENIC CARDIOMYOPATHY; MAL DE NAXOS; PALMOPLANTAR KERATODERMA WITH ARRHYTHMOGENIC RIGHT VENTRICULAR CARDIOMYOPATHY AND WOOLLY HAIR; WOOLLY HAIR, PALMOPLANTAR KERATODERMA, AND CARDIAC ABNORMALITIES; CARDIOMYOPATHY, ARRHYTHMOGENIC RIGHT VENTRICULAR, WITH SKIN, HAIR, AND NAIL ABNORMALITIES. Identifiers: Orphanet 34217, MedGen C1832600, MONDO:0011017, OMIM 601214.

Allele frequency attached by ClinVar (database versions not stated): gnomAD exomes below 0.00001; TOPMed below 0.00001; gnomAD 0.00001; ExAC 0.00002.
gnomAD v4.1: 9 of 1,613,466 alleles (0.00056%); highest among the groups gnomAD compares: Admixed American, 0.005%; no homozygotes.

Submissions (3):

Labcorp Genetics (formerly Invitae), Labcorp
Classification: Uncertain significance for Arrhythmogenic right ventricular dysplasia 12; Naxos disease. Last evaluated: 2026-01-19. Review status: criteria provided, single submitter. Criteria: Invitae Variant Classification Sherloc (09022015). Collection method: clinical testing. Allele origin: germline.
Comment: This sequence change replaces alanine, which is neutral and non-polar, with threonine, which is neutral and polar, at codon 626 of the JUP protein (p.Ala626Thr). This variant is present in population databases (rs782547688, gnomAD 0.003%). This variant has not been reported in the literature in individuals affected with JUP-related conditions. ClinVar contains an entry for this variant (Variation ID: 201828). An algorithm developed to predict the effect of missense changes on protein structure and function (PolyPhen-2) suggests that this variant is likely to be disruptive. In summary, the available evidence is currently insufficient to determine the role of this variant in disease. Therefore, it has been classified as a Variant of Uncertain Significance.

Ambry Genetics
Classification: Uncertain significance for Cardiovascular phenotype. Last evaluated: 2019-04-04. Review status: criteria provided, single submitter. Criteria: Ambry Variant Classification Scheme 2023. Collection method: clinical testing. Allele origin: germline.
Comment: The p.A626T variant (also known as c.1876G>A), located in coding exon 10 of the JUP gene, results from a G to A substitution at nucleotide position 1876. The alanine at codon 626 is replaced by threonine, an amino acid with similar properties. This amino acid position is highly conserved in available vertebrate species. In addition, the in silico prediction for this alteration is inconclusive. Since supporting evidence is limited at this time, the clinical significance of this alteration remains unclear.

GeneDx
Classification: Uncertain significance. Last evaluated: 2019-01-22. Review status: criteria provided, single submitter. Criteria: GeneDx Variant Classification (06012015). Collection method: clinical testing. Allele origin: germline. Affected: yes.
Comment: The A626T variant has not been published as a mutation, nor has it been reported as a benign polymorphism to our knowledge. The A626T variant was not observed in approximately 6,500 individuals of European and African American ancestry in the NHLBI Exome Sequencing Project, indicating it is not a common benign variant in these populations. The A626T variant is a non-conservative amino acid substitution, which is likely to impact secondary protein structure as these residues differ in polarity, charge, size and/or other properties. Additionally, this substitution occurs at a position that is conserved across species. However, in silico analysis is inconsistent in its predictions as to whether or not the variant is damaging to the protein structure/function. Therefore, based on the currently available information, it is unclear whether this variant is a pathogenic mutation or a rare benign variant.

NM_002230.4(JUP):c.1876G>A (p.Ala626Thr)

Gene: JUP (junction plakoglobin; minus strand). Cytogenetic location: 17q21.2.
Variant type: single nucleotide variant.
Coding change: c.1876G>A on transcript NM_002230.4 (MANE Select); coding-DNA position 1876, G replaced by A.
Protein change: p.Ala626Thr; replaces alanine 626 with threonine.
Molecular consequence: missense variant.
Genome position (GRCh38, 1-based): chr17:41,757,682, C>T on the plus strand (G>A on the coding strand, the complement: JUP is on the minus strand). VCF-style: chr17-41757682-C-T. GRCh37 (hg19) VCF-style: chr17-39913934-C-T.
Other names: p.A626T:GCC>ACC; c.1876G>A, p.Ala626Thr (NM_001352773.2, NM_001352774.2, NM_001352775.2 and 3 more transcripts); short protein forms A626T.
Identifiers: ClinVar variation 201828 (VCV000201828.9), dbSNP rs782547688, ClinGen allele CA308551.